The following is an entry in ClinVar:

ClinVar aggregate classification (germline): Uncertain significance. Review status: criteria provided, multiple submitters, no conflicts (2 of 4 stars). 3 submissions from 3 submitters: Uncertain significance (3). Last evaluated 2025-01-22.

Conditions:
Inborn genetic diseases. Identifiers: MedGen C0950123, MeSH D030342.

Allele frequency attached by ClinVar (database versions not stated): ExAC 0.00007; ESP Exome Variant Server 0.00023.
gnomAD v4.1: 160 of 1,613,838 alleles (0.0099%); highest among the groups gnomAD compares: Non-Finnish European, 0.013%; no homozygotes.

Submissions (3):

Ambry Genetics
Classification: Uncertain significance for Inborn genetic diseases. Last evaluated: 2025-01-22. Review status: criteria provided, single submitter. Criteria: Ambry Variant Classification Scheme 2023. Collection method: clinical testing. Allele origin: germline.

Blueprint Genetics
Classification: Uncertain significance. Last evaluated: 2023-12-22. Review status: criteria provided, single submitter. Criteria: ACMG Guidelines, 2015. Collection method: clinical testing. Allele origin: germline.

Labcorp Genetics (formerly Invitae), Labcorp
Classification: Uncertain significance. Last evaluated: 2022-07-05. Review status: criteria provided, single submitter. Criteria: Invitae Variant Classification Sherloc (09022015). Collection method: clinical testing. Allele origin: germline.
Comment: This sequence change replaces histidine, which is basic and polar, with asparagine, which is neutral and polar, at codon 339 of the PDE6A protein (p.His339Asn). This variant is present in population databases (rs141142265, gnomAD 0.01%). This variant has not been reported in the literature in individuals affected with PDE6A-related conditions. Algorithms developed to predict the effect of missense changes on protein structure and function are either unavailable or do not agree on the potential impact of this missense change (SIFT: "Tolerated"; PolyPhen-2: "Probably Damaging"; Align-GVGD: "Class C0"). In summary, the available evidence is currently insufficient to determine the role of this variant in disease. Therefore, it has been classified as a Variant of Uncertain Significance.

NM_000440.3(PDE6A):c.1015C>A (p.His339Asn)

Gene: PDE6A (phosphodiesterase 6A; minus strand). Cytogenetic location: 5q32.
Variant type: single nucleotide variant.
Coding change: c.1015C>A on transcript NM_000440.3 (MANE Select); coding-DNA position 1015, C replaced by A.
Protein change: p.His339Asn; replaces histidine 339 with asparagine.
Molecular consequence: missense variant.
Genome position (GRCh38, 1-based): chr5:149,907,362, G>T on the plus strand (C>A on the coding strand, the complement: PDE6A is on the minus strand). VCF-style: chr5-149907362-G-T. GRCh37 (hg19) VCF-style: chr5-149286925-G-T.
Other names: c.1015C>A (NM_000440.2); c.772C>A, p.His258Asn (NM_001410788.1); short protein forms H258N, H339N.
Identifiers: ClinVar variation 2070993 (VCV002070993.3), dbSNP rs141142265, ClinGen allele CA3504832.